The following is an entry in ClinVar:

ClinVar aggregate classification (germline): Uncertain significance (1 of 4 stars; one submission).

Conditions:
Inborn genetic diseases. Identifiers: MedGen C0950123, MeSH D030342.

Allele frequency attached by ClinVar (database versions not stated): TOPMed below 0.00001; gnomAD 0.00001.
gnomAD v4.1: 1 of 1,614,100 alleles (0.000062%); highest among the groups gnomAD compares: Non-Finnish European, 0.000085%; no homozygotes.

Submission:

Ambry Genetics
Classification: Uncertain significance for Inborn genetic diseases. Last evaluated: 2017-11-02. Review status: criteria provided, single submitter. Criteria: Ambry Variant Classification Scheme 2023. Collection method: clinical testing. Allele origin: germline.
Comment: The p.P133T variant (also known as c.397C>A), located in coding exon 3 of the FOLR1 gene, results from a C to A substitution at nucleotide position 397. The proline at codon 133 is replaced by threonine, an amino acid with highly similar properties. A different alteration located at the same position, p.P133H, was detected as homozygous in two siblings with global developmental delay and intractable seizures who responded clinically to folinic acid therapy (Al-Baradie RS et al. Neurosciences (Riyadh), 2014 Oct;19:312-6). This amino acid position is highly conserved in available vertebrate species. In addition, this alteration is predicted to be deleterious by in silico analysis. Since supporting evidence is limited at this time, the clinical significance of this alteration remains unclear.

Literature cited by the submitters: PubMed 25274592.

NM_016729.3(FOLR1):c.397C>A (p.Pro133Thr)

Genes: FOLR1 (folate receptor alpha; plus strand), FOLR1-AS1 (FOLR1 antisense RNA 1; minus strand). Cytogenetic location: 11q13.4.
Variant type: single nucleotide variant.
Coding change: c.397C>A on transcript NM_016729.3 (MANE Select); coding-DNA position 397, C replaced by A.
Protein change: p.Pro133Thr; replaces proline 133 with threonine.
Molecular consequence: missense variant.
Genome position (GRCh38, 1-based): chr11:72,195,651, C>A. VCF-style: chr11-72195651-C-A. GRCh37 (hg19) VCF-style: chr11-71906695-C-A.
Other names: c.397C>A, p.Pro133Thr (NM_000802.3, NM_016724.3, NM_016725.3 and 1 more transcripts); short protein forms P133T.
Identifiers: ClinVar variation 1736678 (VCV001736678.2), dbSNP rs1948220126, ClinGen allele CA381733196.
Genomic context (GRCh38, chr11:72,195,651, plus strand): 5'-TTTTGTATCAAAATCACCCAGGTGGATCAGAGCTGGCGCAAAGAGCGGGTACTGAACGTG[C>A]CCCTGTGCAAAGAGGACTGTGAGCAATGGTGGGAAGATTGTCGCACCTCCTACACCTGCA-3'
Protein context (NP_057941.1, residues 123-143): SWRKERVLNV[Pro133Thr]LCKEDCEQWW